The following is an entry in ClinVar:

NM_014975.3(MAST1):c.2085G>A (p.Glu695=)

Gene: MAST1 (microtubule associated serine/threonine kinase 1; plus strand). Cytogenetic location: 19p13.13.
Variant type: single nucleotide variant.
Coding change: c.2085G>A on transcript NM_014975.3 (MANE Select); coding-DNA position 2085, G replaced by A.
Protein change: p.Glu695=; no amino-acid change (glutamic acid 695 retained).
Molecular consequence: synonymous variant.
Genome position (GRCh38, 1-based): chr19:12,866,708, G>A. VCF-style: chr19-12866708-G-A. GRCh37 (hg19) VCF-style: chr19-12977522-G-A.
Other names: c.2085G>A (NM_014975.2).
Identifiers: ClinVar variation 1922564 (VCV001922564.7), dbSNP rs773360514, ClinGen allele CA9233032.

ClinVar aggregate classification (germline): Likely benign. Review status: criteria provided, multiple submitters, no conflicts (2 of 4 stars). 3 submissions from 3 submitters: Likely benign (3). Last evaluated 2024-12-03.

Conditions:
MAST1-related disorder. Also called: MAST1-related condition.

Allele frequency attached by ClinVar (database versions not stated): TOPMed below 0.00001; ExAC 0.00001; gnomAD exomes 0.00001; gnomAD 0.00003.
gnomAD v4.1: 14 of 1,613,890 alleles (0.00087%); highest among the groups gnomAD compares: Non-Finnish European, 0.0012%; no homozygotes.

Submissions (3):

PreventionGenetics, part of Exact Sciences
Classification: Likely benign for MAST1-related condition. Last evaluated: 2024-12-03. Review status: criteria provided, single submitter. Criteria: ACMG Guidelines, 2015. Collection method: clinical testing. Allele origin: germline.
Comment: This variant is classified as likely benign based on ACMG/AMP sequence variant interpretation guidelines (Richards et al. 2015 PMID: 25741868, with internal and published modifications).

Labcorp Genetics (formerly Invitae), Labcorp
Classification: Likely benign. Last evaluated: 2024-10-05. Review status: criteria provided, single submitter. Criteria: Invitae Variant Classification Sherloc (09022015). Collection method: clinical testing. Allele origin: germline.

Blueprint Genetics
Classification: Likely benign. Last evaluated: 2024-09-12. Review status: criteria provided, single submitter. Criteria: ACMG Guidelines, 2015. Collection method: clinical testing. Allele origin: germline.